The following is an entry in ClinVar:

ClinVar aggregate classification (germline): Uncertain significance (1 of 4 stars; one submission).

Conditions:
Familial cold autoinflammatory syndrome 3 (FCAS3). Also called: ANTIBODY DEFICIENCY AND IMMUNE DYSREGULATION, PLCG2-ASSOCIATED; FAMILIAL ATYPICAL COLD URTICARIA. Identifiers: Orphanet 300359, MedGen C3280914, MONDO:0013766, OMIM 614468.

Submission:

Labcorp Genetics (formerly Invitae), Labcorp
Classification: Uncertain significance for Familial cold autoinflammatory syndrome 3. Last evaluated: 2022-06-04. Review status: criteria provided, single submitter. Criteria: Invitae Variant Classification Sherloc (09022015). Collection method: clinical testing. Allele origin: germline.
Comment: This sequence change replaces isoleucine, which is neutral and non-polar, with valine, which is neutral and non-polar, at codon 402 of the PLCG2 protein (p.Ile402Val). In summary, the available evidence is currently insufficient to determine the role of this variant in disease. Therefore, it has been classified as a Variant of Uncertain Significance. Algorithms developed to predict the effect of missense changes on protein structure and function are either unavailable or do not agree on the potential impact of this missense change (SIFT: "Deleterious"; PolyPhen-2: "Benign"; Align-GVGD: "Class C25"). ClinVar contains an entry for this variant (Variation ID: 847130). This variant has not been reported in the literature in individuals affected with PLCG2-related conditions. This variant is not present in population databases (gnomAD no frequency).

NM_002661.5(PLCG2):c.1204A>G (p.Ile402Val)

Gene: PLCG2 (phospholipase C gamma 2; plus strand). Cytogenetic location: 16q23.3.
Variant type: single nucleotide variant.
Coding change: c.1204A>G on transcript NM_002661.5 (MANE Select); coding-DNA position 1204, A replaced by G.
Protein change: p.Ile402Val; replaces isoleucine 402 with valine.
Molecular consequence: missense variant.
Genome position (GRCh38, 1-based): chr16:81,900,622, A>G. VCF-style: chr16-81900622-A-G. GRCh37 (hg19) VCF-style: chr16-81934227-A-G.
Other names: short protein forms I402V.
Identifiers: ClinVar variation 847130 (VCV000847130.9), dbSNP rs1909108487, ClinGen allele CA396899207.